The following is an entry in ClinVar:

NM_004655.4(AXIN2):c.1145A>C (p.Lys382Thr)

Gene: AXIN2 (axin 2; minus strand). Cytogenetic location: 17q24.1.
Variant type: single nucleotide variant.
Coding change: c.1145A>C on transcript NM_004655.4 (MANE Select); coding-DNA position 1145, A replaced by C.
Protein change: p.Lys382Thr; replaces lysine 382 with threonine.
Molecular consequence: missense variant.
Genome position (GRCh38, 1-based): chr17:65,538,258, T>G on the plus strand (A>C on the coding strand, the complement: AXIN2 is on the minus strand). VCF-style: chr17-65538258-T-G. GRCh37 (hg19) VCF-style: chr17-63534376-T-G.
Other names: c.1145A>C, p.Lys382Thr (NM_001363813.1); short protein forms K382T.
Identifiers: ClinVar variation 1495500 (VCV001495500.10), dbSNP rs878854717, ClinGen allele CA400678332.

ClinVar aggregate classification (germline): Uncertain significance. Review status: criteria provided, multiple submitters, no conflicts (2 of 4 stars). 3 submissions from 3 submitters: Uncertain significance (3). Last evaluated 2024-12-05.

Conditions:
Oligodontia-cancer predisposition syndrome. Also called: TOOTH AGENESIS-COLORECTAL CANCER SYNDROME. Identifiers: Orphanet 300576, MedGen C1837750, MONDO:0012075, OMIM 608615. Disease mechanism: loss of function.
Colorectal cancer. Also called: Colorectal cancer, somatic; Malignant Colorectal Neoplasm. Identifiers: MedGen C0346629, MONDO:0005575, OMIM 114500.
Hereditary cancer-predisposing syndrome. Also called: Tumor predisposition; Hereditary neoplastic syndrome; Neoplastic Syndromes, Hereditary; Hereditary Cancer Syndrome. Identifiers: Orphanet 140162, MedGen C0027672, MeSH D009386, MONDO:0015356.

Allele frequency attached by ClinVar (database versions not stated): gnomAD exomes below 0.00001.
gnomAD v4.1: 2 of 1,614,198 alleles (0.00012%); highest among the groups gnomAD compares: Non-Finnish European, 0.00017%; no homozygotes.

Submissions (3):

Ambry Genetics
Classification: Uncertain significance for Hereditary cancer-predisposing syndrome. Last evaluated: 2024-12-05. Review status: criteria provided, single submitter. Criteria: Ambry Variant Classification Scheme 2023. Collection method: clinical testing. Allele origin: germline.
Comment: The p.K382T variant (also known as c.1145A>C), located in coding exon 4 of the AXIN2 gene, results from an A to C substitution at nucleotide position 1145. The lysine at codon 382 is replaced by threonine, an amino acid with similar properties. This amino acid position is well conserved in available vertebrate species. In addition, the in silico prediction for this alteration is inconclusive. Based on the available evidence, the clinical significance of this variant remains unclear.

Labcorp Genetics (formerly Invitae), Labcorp
Classification: Uncertain significance for Oligodontia-cancer predisposition syndrome. Last evaluated: 2023-09-26. Review status: criteria provided, single submitter. Criteria: Invitae Variant Classification Sherloc (09022015). Collection method: clinical testing. Allele origin: germline.
Comment: ClinVar contains an entry for this variant (Variation ID: 1495500). Advanced modeling of protein sequence and biophysical properties (such as structural, functional, and spatial information, amino acid conservation, physicochemical variation, residue mobility, and thermodynamic stability) performed at Invitae indicates that this missense variant is expected to disrupt AXIN2 protein function. In summary, the available evidence is currently insufficient to determine the role of this variant in disease. Therefore, it has been classified as a Variant of Uncertain Significance. This variant has not been reported in the literature in individuals affected with AXIN2-related conditions. This sequence change replaces lysine, which is basic and polar, with threonine, which is neutral and polar, at codon 382 of the AXIN2 protein (p.Lys382Thr). This variant is not present in population databases (gnomAD no frequency).

Baylor Genetics
Classification: Uncertain significance for Colorectal cancer. Last evaluated: 2023-08-11. Review status: criteria provided, single submitter. Criteria: ACMG Guidelines, 2015. Collection method: clinical testing. Allele origin: unknown.